The following is an entry in ClinVar:

NM_001277115.2(DNAH11):c.13076G>A (p.Arg4359Gln)

Gene: DNAH11 (dynein axonemal heavy chain 11; plus strand). Cytogenetic location: 7p15.3.
Variant type: single nucleotide variant.
Coding change: c.13076G>A on transcript NM_001277115.2 (MANE Select); coding-DNA position 13076, G replaced by A.
Protein change: p.Arg4359Gln; replaces arginine 4359 with glutamine.
Molecular consequence: missense variant.
Genome position (GRCh38, 1-based): chr7:21,899,362, G>A. VCF-style: chr7-21899362-G-A. GRCh37 (hg19) VCF-style: chr7-21938980-G-A.
Other names: short protein forms R4359Q.
Identifiers: ClinVar variation 257867 (VCV000257867.48), dbSNP rs113653972, ClinGen allele CA4183287.
Genomic context (GRCh38, chr7:21,899,362, plus strand): 5'-CAGCAAGTTTTTCTTCCTCCCTCCCATAAACCAGGTTCAATGACCTCCTCCTGCGATGCC[G>A]AGAACTCGATACTTGGACACAAGACCTTACCCTTCCGGCTGTCGTGTGGCTCTCCGGCTT-3'
Protein context (NP_001264044.1, residues 4349-4369): QWFNDLLLRC[Arg4359Gln]ELDTWTQDLT

ClinVar aggregate classification (germline): Benign/Likely benign. Review status: criteria provided, multiple submitters, no conflicts (2 of 4 stars). 5 submissions from 5 submitters: Benign (1); Likely benign (4). Last evaluated 2026-01-18.

Conditions:
Primary ciliary dyskinesia. Also called: Ciliary dyskinesia. Identifiers: Orphanet 244, MedGen C0008780, MONDO:0016575, HP:0012265.

Allele frequency attached by ClinVar (database versions not stated): gnomAD exomes 0.00057; ExAC 0.00070; 1000 Genomes Project 0.00160; 1000 Genomes Project 30x 0.00187; gnomAD 0.00194 and 0.00212; TOPMed 0.00224; ESP Exome Variant Server 0.00270.
gnomAD v4.1: 624 of 1,613,944 alleles (0.039%); highest among the groups gnomAD compares: African/African-American, 0.69%; 3 homozygotes.

Submissions (5):

Labcorp Genetics (formerly Invitae), Labcorp
Classification: Likely benign for Primary ciliary dyskinesia. Last evaluated: 2026-01-18. Review status: criteria provided, single submitter. Criteria: Invitae Variant Classification Sherloc (09022015). Collection method: clinical testing. Allele origin: germline.

CeGaT Center for Human Genetics Tuebingen
Classification: Likely benign. Last evaluated: 2023-09-01. Review status: criteria provided, single submitter. Criteria: CeGaT Center For Human Genetics Tuebingen Variant Classification Criteria Version 2. Collection method: clinical testing. Allele origin: germline. Affected: yes. Observed: 1 variant allele.
Comment: DNAH11: BP4, BS2

Ambry Genetics
Classification: Likely benign for Primary ciliary dyskinesia. Last evaluated: 2022-06-27. Review status: criteria provided, single submitter. Criteria: Ambry Variant Classification Scheme 2023. Collection method: clinical testing. Allele origin: germline.

Eurofins Ntd Llc (ga)
Classification: Benign. Last evaluated: 2015-10-01. Review status: criteria provided, single submitter. Criteria: EGL Classification Definitions 2015. Collection method: clinical testing. Allele origin: germline. Observed: 1 variant allele.

PreventionGenetics, part of Exact Sciences
Classification: Likely benign. Review status: criteria provided, single submitter. Criteria: ACMG Guidelines, 2015. Collection method: clinical testing. Allele origin: germline.